The following is an entry in ClinVar:

NM_001386298.1(CIC):c.1912G>A (p.Gly638Ser)

Gene: CIC (capicua transcriptional repressor; plus strand). Cytogenetic location: 19q13.2.
Variant type: single nucleotide variant.
Coding change: c.1912G>A on transcript NM_001386298.1 (MANE Select); coding-DNA position 1912, G replaced by A.
Protein change: p.Gly638Ser; replaces glycine 638 with serine.
Molecular consequence: missense variant. On other transcripts: genic upstream transcript variant (1).
Genome position (GRCh38, 1-based): chr19:42,273,695, G>A. VCF-style: chr19-42273695-G-A. GRCh37 (hg19) VCF-style: chr19-42777847-G-A.
Other names: c.1912G>A, p.Gly638Ser (NM_001304815.2, NM_001379480.1, NM_001379482.1); c.-11010G>A (NM_015125.5); short protein forms G638S.
Identifiers: ClinVar variation 3902530 (VCV003902530.1).

ClinVar aggregate classification (germline): Uncertain significance (1 of 4 stars; one submission).

gnomAD v4.1: 5 of 398,400 alleles (0.0013%); highest among the groups gnomAD compares: African/African-American, 0.0021%; no homozygotes.

Submission:

Women's Health and Genetics/Laboratory Corporation of America, LabCorp
Classification: Uncertain significance. Last evaluated: 2025-05-05. Review status: criteria provided, single submitter. Criteria: LabCorp Variant Classification Summary - May 2015. Collection method: clinical testing. Allele origin: germline.
Comment: Variant summary: CIC c.-11010G>A is located in the untranscribed region upstream of the CIC gene region and corresponds to a missense change, c.1912G>A (p.Gly638Ser) in an alternative transcript NM_001304815. The variant allele was found at a frequency of 1.3e-05 in 398400 control chromosomes. The available data on variant occurrences in the general population are insufficient to allow any conclusion about variant significance. To our knowledge, no occurrence of c.-11010G>A in individuals affected with Mental Retardation, Autosomal Dominant 45 and no experimental evidence demonstrating its impact on protein function have been reported. No submitters have cited clinical-significance assessments for this variant to ClinVar. Based on the evidence outlined above, the variant was classified as uncertain significance.